The following is an entry in ClinVar:

NM_012203.2(GRHPR):c.404+1G>T

Gene: GRHPR (glyoxylate and hydroxypyruvate reductase; plus strand). Cytogenetic location: 9p13.2.
Variant type: single nucleotide variant.
Coding change: c.404+1G>T on transcript NM_012203.2 (MANE Select); the canonical splice donor site of the intron after coding-DNA position 404, G replaced by T.
Molecular consequence: splice donor variant.
Genome position (GRCh38, 1-based): chr9:37,426,655, G>T. VCF-style: chr9-37426655-G-T. GRCh37 (hg19) VCF-style: chr9-37426652-G-T.
Identifiers: ClinVar variation 3012049 (VCV003012049.3), dbSNP rs1823095401, ClinGen allele CA373442659.

ClinVar aggregate classification (germline): Likely pathogenic (1 of 4 stars; one submission).

Submission:

Labcorp Genetics (formerly Invitae), Labcorp
Classification: Likely pathogenic. Last evaluated: 2025-01-23. Review status: criteria provided, single submitter. Criteria: Invitae Variant Classification Sherloc (09022015). Collection method: clinical testing. Allele origin: germline.
Comment: This sequence change affects a donor splice site in intron 4 of the GRHPR gene. It is expected to disrupt RNA splicing. Variants that disrupt the donor or acceptor splice site typically lead to a loss of protein function (PMID: 16199547), and loss-of-function variants in GRHPR are known to be pathogenic (PMID: 25644115). This variant is not present in population databases (gnomAD no frequency). This variant has not been reported in the literature in individuals affected with GRHPR-related conditions. ClinVar contains an entry for this variant (Variation ID: 3012049). Algorithms developed to predict the effect of sequence changes on RNA splicing suggest that this variant may disrupt the consensus splice site. In summary, the currently available evidence indicates that the variant is pathogenic, but additional data are needed to prove that conclusively. Therefore, this variant has been classified as Likely Pathogenic.

Literature cited by the submitters: PubMed 16199547; PubMed 25644115.